The following is an entry in ClinVar:

ClinVar aggregate classification (germline): Uncertain significance. Review status: criteria provided, multiple submitters, no conflicts (2 of 4 stars). 2 submissions from 2 submitters: Uncertain significance (2). Last evaluated 2025-09-08.

Allele frequency attached by ClinVar (database versions not stated): 1000 Genomes Project 30x 0.00016; TOPMed 0.00016; 1000 Genomes Project 0.00020; gnomAD 0.00020 and 0.00021; gnomAD exomes 0.00024 and 0.00028; ExAC 0.00029; ESP Exome Variant Server 0.00031.
gnomAD v4.1: 373 of 1,614,076 alleles (0.023%); highest among the groups gnomAD compares: Non-Finnish European, 0.029%; no homozygotes.

Submissions (2):

Labcorp Genetics (formerly Invitae), Labcorp
Classification: Uncertain significance. Last evaluated: 2025-09-08. Review status: criteria provided, single submitter. Criteria: Invitae Variant Classification Sherloc (09022015). Collection method: clinical testing. Allele origin: germline.
Comment: This sequence change replaces glutamic acid, which is acidic and polar, with lysine, which is basic and polar, at codon 506 of the PPP1R15B protein (p.Glu506Lys). This variant is present in population databases (rs150224664, gnomAD 0.05%), and has an allele count higher than expected for a pathogenic variant. This variant has not been reported in the literature in individuals affected with PPP1R15B-related conditions. ClinVar contains an entry for this variant (Variation ID: 444192). Invitae Evidence Modeling of protein sequence and biophysical properties (such as structural, functional, and spatial information, amino acid conservation, physicochemical variation, residue mobility, and thermodynamic stability) indicates that this missense variant is not expected to disrupt PPP1R15B protein function with a negative predictive value of 80%. In summary, the available evidence is currently insufficient to determine the role of this variant in disease. Therefore, it has been classified as a Variant of Uncertain Significance.

CeGaT Center for Human Genetics Tuebingen
Classification: Uncertain significance. Last evaluated: 2017-05-01. Review status: criteria provided, single submitter. Criteria: CeGaT Center For Human Genetics Tuebingen Variant Classification Criteria Version 2. Collection method: clinical testing. Allele origin: germline. Affected: yes. Observed: 1 variant allele.

NM_032833.5(PPP1R15B):c.1516G>A (p.Glu506Lys)

Gene: PPP1R15B (protein phosphatase 1 regulatory subunit 15B; minus strand). Cytogenetic location: 1q32.1.
Variant type: single nucleotide variant.
Coding change: c.1516G>A on transcript NM_032833.5 (MANE Select); coding-DNA position 1516, G replaced by A.
Protein change: p.Glu506Lys; replaces glutamic acid 506 with lysine.
Molecular consequence: missense variant.
Genome position (GRCh38, 1-based): chr1:204,409,896, C>T on the plus strand (G>A on the coding strand, the complement: PPP1R15B is on the minus strand). VCF-style: chr1-204409896-C-T. GRCh37 (hg19) VCF-style: chr1-204379024-C-T.
Other names: short protein forms E506K.
Identifiers: ClinVar variation 444192 (VCV000444192.47), dbSNP rs150224664, ClinGen allele CA1346615.